The following is an entry in ClinVar:

ClinVar aggregate classification (germline): Uncertain significance (1 of 4 stars; one submission).

gnomAD v4.1: 10 of 1,614,098 alleles (0.00062%); highest among the groups gnomAD compares: African/African-American, 0.013%; no homozygotes.

Submission:

GeneDx
Classification: Uncertain significance. Last evaluated: 2024-09-17. Review status: criteria provided, single submitter. Criteria: GeneDx Variant Classification Process June 2021. Collection method: clinical testing. Allele origin: germline. Affected: yes.
Comment: In silico analysis supports that this missense variant has a deleterious effect on protein structure/function; Has not been previously published as pathogenic or benign to our knowledge

NM_006885.4(ZFHX3):c.794A>G (p.Asp265Gly)

Gene: ZFHX3 (zinc finger homeobox 3; minus strand). Cytogenetic location: 16q22.3.
Variant type: single nucleotide variant.
Coding change: c.794A>G on transcript NM_006885.4 (MANE Select); coding-DNA position 794, A replaced by G.
Protein change: p.Asp265Gly; replaces aspartic acid 265 with glycine.
Molecular consequence: missense variant. On other transcripts: intron variant (1).
Genome position (GRCh38, 1-based): chr16:72,959,352, T>C on the plus strand (A>G on the coding strand, the complement: ZFHX3 is on the minus strand). VCF-style: chr16-72959352-T-C. GRCh37 (hg19) VCF-style: chr16-72993251-T-C.
Other names: c.794A>G, p.Asp265Gly (NM_001386735.1); c.-23-8387A>G (NM_001164766.2); short protein forms D265G.
Identifiers: ClinVar variation 3774087 (VCV003774087.1).